The following is an entry in ClinVar:

ClinVar aggregate classification (germline): Uncertain significance (1 of 4 stars; one submission).

Conditions:
Fanconi anemia (FA). Also called: Fanconi's anemia. Identifiers: Orphanet 84, MedGen C0015625, MeSH D005199, MONDO:0019391.

Allele frequency attached by ClinVar (database versions not stated): ExAC 0.00001; gnomAD exomes 0.00002.
gnomAD v4.1: 7 of 1,591,738 alleles (0.00044%); highest among the groups gnomAD compares: East Asian, 0.0089%; no homozygotes.

Submission:

Labcorp Genetics (formerly Invitae), Labcorp
Classification: Uncertain significance for Fanconi anemia. Last evaluated: 2024-05-21. Review status: criteria provided, single submitter. Criteria: Invitae Variant Classification Sherloc (09022015). Collection method: clinical testing. Allele origin: germline.
Comment: This sequence change falls in intron 26 of the FANCA gene. It does not directly change the encoded amino acid sequence of the FANCA protein. It affects a nucleotide within the consensus splice site. This variant is present in population databases (rs768436599, gnomAD 0.02%). This variant has not been reported in the literature in individuals affected with FANCA-related conditions. ClinVar contains an entry for this variant (Variation ID: 1375684). Variants that disrupt the consensus splice site are a relatively common cause of aberrant splicing (PMID: 17576681, 9536098). Algorithms developed to predict the effect of sequence changes on RNA splicing suggest that this variant may disrupt the consensus splice site. In summary, the available evidence is currently insufficient to determine the role of this variant in disease. Therefore, it has been classified as a Variant of Uncertain Significance.

Literature cited by the submitters: PubMed 17576681; PubMed 9536098.

NM_000135.4(FANCA):c.2505-5T>G

Gene: FANCA (FA complementation group A; minus strand). Cytogenetic location: 16q24.3.
Variant type: single nucleotide variant.
Coding change: c.2505-5T>G on transcript NM_000135.4 (MANE Select); 5 bases into the intron before coding-DNA position 2505, T replaced by G.
Molecular consequence: intron variant.
Genome position (GRCh38, 1-based): chr16:89,767,242, A>C on the plus strand (T>G on the coding strand, the complement: FANCA is on the minus strand). VCF-style: chr16-89767242-A-C. GRCh37 (hg19) VCF-style: chr16-89833650-A-C.
Other names: c.2505-5T>G (NM_001286167.3).
Identifiers: ClinVar variation 1375684 (VCV001375684.4), dbSNP rs768436599, ClinGen allele CA8251686.